The following is an entry in ClinVar:

ClinVar aggregate classification (germline): Uncertain significance (1 of 4 stars; one submission).

Conditions:
Early-infantile DEE. Also called: Early infantile epileptic encephalopathy; Ohtahara syndrome; Early infantile epileptic encephalopathy with suppression bursts. Identifiers: Orphanet 1934, MedGen C0393706, MONDO:0800491.

Submission:

Labcorp Genetics (formerly Invitae), Labcorp
Classification: Uncertain significance for Early-infantile DEE. Last evaluated: 2022-08-15. Review status: criteria provided, single submitter. Criteria: Invitae Variant Classification Sherloc (09022015). Collection method: clinical testing. Allele origin: germline.
Comment: This variant, c.883_885del, results in the deletion of 1 amino acid(s) of the CACNA2D2 protein (p.Ile295del), but otherwise preserves the integrity of the reading frame. This variant is not present in population databases (gnomAD no frequency). This variant has not been reported in the literature in individuals affected with CACNA2D2-related conditions. ClinVar contains an entry for this variant (Variation ID: 954711). Experimental studies and prediction algorithms are not available or were not evaluated, and the functional significance of this variant is currently unknown. In summary, the available evidence is currently insufficient to determine the role of this variant in disease. Therefore, it has been classified as a Variant of Uncertain Significance.

NM_006030.4(CACNA2D2):c.880ATC[1] (p.Ile295del)

Gene: CACNA2D2 (calcium voltage-gated channel auxiliary subunit alpha2delta 2; minus strand). Cytogenetic location: 3p21.31.
Variant type: Microsatellite.
Coding change: c.880ATC[1] on transcript NM_006030.4 (MANE Select); one copy of the 3-base unit ATC starting at c.880; the reference has two copies in a row; one copy, 3 bases deleted.
Protein change: p.Ile295del; deletes isoleucine 295.
Molecular consequence: inframe deletion.
Genome position (GRCh38, 1-based): chr3:50,379,976-50,379,978, GAT deleted on the plus strand (ATC on the coding strand, the reverse complement: CACNA2D2 is on the minus strand); deleting any 3 consecutive bases within chr3:50,379,976-50,379,983 gives the same sequence; the position shown is the placement nearest the transcript's 3' end. VCF-style (leftmost placement, unchanged base first): chr3-50379975-CGAT-C. GRCh37 (hg19) VCF-style: chr3-50417406-CGAT-C.
Other names: c.880ATC[1], p.Ile295del (NM_001005505.3, NM_001174051.3); c.673ATC[1], p.Ile226del (NM_001291101.1); short protein forms I295del, I226del.
Identifiers: ClinVar variation 954711 (VCV000954711.7), dbSNP rs1705217505, ClinGen allele CA1363925917.